The following is an entry in ClinVar:

NM_000535.7(PMS2):c.349C>G (p.Leu117Val)

Gene: PMS2 (PMS1 homolog 2, mismatch repair system component; minus strand). Cytogenetic location: 7p22.1.
Variant type: single nucleotide variant.
Coding change: c.349C>G on transcript NM_000535.7 (MANE Select); coding-DNA position 349, C replaced by G.
Protein change: p.Leu117Val; replaces leucine 117 with valine.
Molecular consequence: missense variant. On other transcripts: 5 prime UTR variant (9), non-coding transcript variant (1), intron variant (2).
Genome position (GRCh38, 1-based): chr7:6,003,694, G>C on the plus strand (C>G on the coding strand, the complement: PMS2 is on the minus strand). VCF-style: chr7-6003694-G-C. GRCh37 (hg19) VCF-style: chr7-6043325-G-C.
Other names: c.-57C>G (NM_001322003.2, NM_001322004.2, NM_001322005.2 and 3 more transcripts); c.349C>G, p.Leu117Val (NM_001322006.2, NM_001322014.2); c.-536C>G (NM_001322011.2, NM_001322012.2); c.-136C>G (NM_001322015.2); c.35+278C>G (NM_001322008.2, NM_001322007.2); short protein forms L117V.
Identifiers: ClinVar variation 1007305 (VCV001007305.8), dbSNP rs1554304592, ClinGen allele CA366744531.

ClinVar aggregate classification (germline): Uncertain significance (1 of 4 stars; one submission).

Conditions:
Hereditary nonpolyposis colorectal neoplasms. Identifiers: MedGen C0009405, MeSH D003123.

Allele frequency attached by ClinVar (database versions not stated): gnomAD exomes below 0.00001.
gnomAD v4.1: 1 of 1,558,790 alleles (0.000064%); highest among the groups gnomAD compares: Non-Finnish European, 0.000087%; no homozygotes.

Submission:

Labcorp Genetics (formerly Invitae), Labcorp
Classification: Uncertain significance for Hereditary nonpolyposis colorectal neoplasms. Last evaluated: 2020-08-04. Review status: criteria provided, single submitter. Criteria: Invitae Variant Classification Sherloc (09022015). Collection method: clinical testing. Allele origin: germline.
Comment: In summary, the available evidence is currently insufficient to determine the role of this variant in disease. Therefore, it has been classified as a Variant of Uncertain Significance. Algorithms developed to predict the effect of sequence changes on RNA splicing suggest that this variant may create or strengthen a splice site, but this prediction has not been confirmed by published transcriptional studies. Advanced modeling of protein sequence and biophysical properties (such as structural, functional, and spatial information, amino acid conservation, physicochemical variation, residue mobility, and thermodynamic stability) performed at Invitae indicates that this missense variant is not expected to disrupt PMS2 protein function. This variant has not been reported in the literature in individuals with PMS2-related conditions. This variant is not present in population databases (ExAC no frequency). This sequence change replaces leucine with valine at codon 117 of the PMS2 protein (p.Leu117Val). The leucine residue is highly conserved and there is a small physicochemical difference between leucine and valine.